The following is an entry in ClinVar:

ClinVar aggregate classification (germline): Uncertain significance (1 of 4 stars; one submission).

gnomAD v4.1: 3 of 1,613,640 alleles (0.00019%); highest among the groups gnomAD compares: African/African-American, 0.004%; no homozygotes.

Submission:

Labcorp Genetics (formerly Invitae), Labcorp
Classification: Uncertain significance. Last evaluated: 2025-05-07. Review status: criteria provided, single submitter. Criteria: Invitae Variant Classification Sherloc (09022015). Collection method: clinical testing. Allele origin: germline.
Comment: This sequence change falls in intron 8 of the BICC1 gene. It does not directly change the encoded amino acid sequence of the BICC1 protein. It affects a nucleotide within the consensus splice site. This variant is not present in population databases (gnomAD no frequency). This variant has not been reported in the literature in individuals affected with BICC1-related conditions. Variants that disrupt the consensus splice site are a relatively common cause of aberrant splicing (PMID: 17576681, 9536098). Algorithms developed to predict the effect of sequence changes on RNA splicing suggest that this variant may disrupt the consensus splice site. In summary, the available evidence is currently insufficient to determine the role of this variant in disease. Therefore, it has been classified as a Variant of Uncertain Significance.

Literature cited by the submitters: PubMed 17576681; PubMed 9536098.

NM_001080512.3(BICC1):c.1047+4A>G

Gene: BICC1 (BicC family RNA binding protein 1; plus strand). Cytogenetic location: 10q21.1.
Variant type: single nucleotide variant.
Coding change: c.1047+4A>G on transcript NM_001080512.3 (MANE Select); 4 bases into the intron after coding-DNA position 1047, A replaced by G.
Molecular consequence: intron variant.
Genome position (GRCh38, 1-based): chr10:58,789,937, A>G. VCF-style: chr10-58789937-A-G. GRCh37 (hg19) VCF-style: chr10-60549697-A-G.
Identifiers: ClinVar variation 4767475 (VCV004767475.1).